The following is an entry in ClinVar:

ClinVar aggregate classification (germline): Uncertain significance (1 of 4 stars; one submission).

Allele frequency attached by ClinVar (database versions not stated): ExAC 0.00001.

Submission:

Labcorp Genetics (formerly Invitae), Labcorp
Classification: Uncertain significance. Last evaluated: 2023-08-17. Review status: criteria provided, single submitter. Criteria: Invitae Variant Classification Sherloc (09022015). Collection method: clinical testing. Allele origin: germline.
Comment: This variant has not been reported in the literature in individuals affected with MTOR-related conditions. In summary, the available evidence is currently insufficient to determine the role of this variant in disease. Therefore, it has been classified as a Variant of Uncertain Significance. Advanced modeling of protein sequence and biophysical properties (such as structural, functional, and spatial information, amino acid conservation, physicochemical variation, residue mobility, and thermodynamic stability) performed at Invitae indicates that this missense variant is not expected to disrupt MTOR protein function. This variant is not present in population databases (gnomAD no frequency). This sequence change replaces leucine, which is neutral and non-polar, with proline, which is neutral and non-polar, at codon 1759 of the MTOR protein (p.Leu1759Pro).

NM_004958.4(MTOR):c.5276T>C (p.Leu1759Pro)

Gene: MTOR (mechanistic target of rapamycin kinase; minus strand). Cytogenetic location: 1p36.22.
Variant type: single nucleotide variant.
Coding change: c.5276T>C on transcript NM_004958.4 (MANE Select); coding-DNA position 5276, T replaced by C.
Protein change: p.Leu1759Pro; replaces leucine 1759 with proline.
Molecular consequence: missense variant.
Genome position (GRCh38, 1-based): chr1:11,133,168, A>G on the plus strand (T>C on the coding strand, the complement: MTOR is on the minus strand). VCF-style: chr1-11133168-A-G. GRCh37 (hg19) VCF-style: chr1-11193225-A-G.
Other names: c.5276T>C, p.Leu1759Pro (NM_001386500.1); c.4028T>C, p.Leu1343Pro (NM_001386501.1); short protein forms L1343P, L1759P.
Identifiers: ClinVar variation 2779671 (VCV002779671.3), dbSNP rs767904277, ClinGen allele CA589389.